The following is an entry in ClinVar:

NM_024656.4(COLGALT1):c.1519C>T (p.Arg507Cys)

Gene: COLGALT1 (collagen beta(1-O)galactosyltransferase 1; plus strand). Cytogenetic location: 19p13.11.
Variant type: single nucleotide variant.
Coding change: c.1519C>T on transcript NM_024656.4 (MANE Select); coding-DNA position 1519, C replaced by T.
Protein change: p.Arg507Cys; replaces arginine 507 with cysteine.
Molecular consequence: missense variant.
Genome position (GRCh38, 1-based): chr19:17,580,823, C>T. VCF-style: chr19-17580823-C-T. GRCh37 (hg19) VCF-style: chr19-17691632-C-T.
Other names: short protein forms R507C.
Identifiers: ClinVar variation 2070197 (VCV002070197.3), dbSNP rs183198845, ClinGen allele CA9297336.
Genomic context (GRCh38, chr19:17,580,823, plus strand): 5'-CTGGTGGAGGCCGACTATTCCTACTGGACCCTGGCCTACGTGATCTCCCTGCAAGGCGCC[C>T]GCAAACTGCTGGCTGCTGAGCCGCTCTCCAAGATGCTGCCTGTGGACGAGTTCCTGCCCG-3'
Protein context (NP_078932.2, residues 497-517): LAYVISLQGA[Arg507Cys]KLLAAEPLSK

ClinVar aggregate classification (germline): Uncertain significance (1 of 4 stars; one submission).

Allele frequency attached by ClinVar (database versions not stated): 1000 Genomes Project 30x 0.00094; 1000 Genomes Project 0.00100.
gnomAD v4.1: 108 of 1,613,982 alleles (0.0067%); highest among the groups gnomAD compares: East Asian, 0.033%; 1 homozygote.

Submission:

Labcorp Genetics (formerly Invitae), Labcorp
Classification: Uncertain significance. Last evaluated: 2023-04-14. Review status: criteria provided, single submitter. Criteria: Invitae Variant Classification Sherloc (09022015). Collection method: clinical testing. Allele origin: germline.
Comment: Advanced modeling of protein sequence and biophysical properties (such as structural, functional, and spatial information, amino acid conservation, physicochemical variation, residue mobility, and thermodynamic stability) has been performed at Invitae for this missense variant, however the output from this modeling did not meet the statistical confidence thresholds required to predict the impact of this variant on COLGALT1 protein function. ClinVar contains an entry for this variant (Variation ID: 2070197). This variant has not been reported in the literature in individuals affected with COLGALT1-related conditions. This variant is present in population databases (rs183198845, gnomAD 0.09%). This sequence change replaces arginine, which is basic and polar, with cysteine, which is neutral and slightly polar, at codon 507 of the COLGALT1 protein (p.Arg507Cys). In summary, the available evidence is currently insufficient to determine the role of this variant in disease. Therefore, it has been classified as a Variant of Uncertain Significance.